The following is an entry in ClinVar:

NM_016818.3(ABCG1):c.609G>A (p.Ala203=)

Gene: ABCG1 (ATP binding cassette subfamily G member 1; plus strand). Cytogenetic location: 21q22.3.
Variant type: single nucleotide variant.
Coding change: c.609G>A on transcript NM_016818.3 (MANE Select); coding-DNA position 609, G replaced by A.
Protein change: p.Ala203=; no amino-acid change (alanine 203 retained).
Molecular consequence: synonymous variant.
Genome position (GRCh38, 1-based): chr21:42,282,294, G>A. VCF-style: chr21-42282294-G-A. GRCh37 (hg19) VCF-style: chr21-43702404-G-A.
Other names: c.609G>A, p.Ala203= (NM_004915.4); c.642G>A, p.Ala214= (NM_207174.1); c.615G>A, p.Ala205= (NM_207627.2); c.543G>A, p.Ala181= (NM_207628.1); c.600G>A, p.Ala200= (NM_207629.2).
Identifiers: ClinVar variation 3047290 (VCV003047290.2), dbSNP rs201037860, ClinGen allele CA10041097.
Genomic context (GRCh38, chr21:42,282,294, plus strand): 5'-GGCGGGCAGCTCCCAATGTCTCTCGTTCTGTTGCCCCCAGGTCAAGGAGATACTGACAGC[G>A]CTGGGCTTGCTGTCTTGCGCCAACACGCGGACCGGGAGCCTGTCAGGTGGTCAGCGCAAG-3'
Protein context (NP_058198.2, residues 193-213): RREMVKEILT[Ala203=]LGLLSCANTR

ClinVar aggregate classification (germline): Likely benign (0 of 4 stars; one submission).

Conditions:
ABCG1-related disorder. Also called: ABCG1-related condition.

Allele frequency attached by ClinVar (database versions not stated): ESP Exome Variant Server 0.00008.
gnomAD v4.1: 39 of 1,612,302 alleles (0.0024%); highest among the groups gnomAD compares: Middle Eastern, 0.039%; no homozygotes.

Submission:

PreventionGenetics, part of Exact Sciences
Classification: Likely benign for ABCG1-related condition. Last evaluated: 2019-02-28. Review status: no assertion criteria provided. Collection method: clinical testing. Allele origin: germline.
Comment: This variant is classified as likely benign based on ACMG/AMP sequence variant interpretation guidelines (Richards et al. 2015 PMID: 25741868, with internal and published modifications).